The following is an entry in ClinVar:

NM_022437.3(ABCG8):c.1664C>T (p.Thr555Ile)

Gene: ABCG8 (ATP binding cassette subfamily G member 8; plus strand). Cytogenetic location: 2p21.
Variant type: single nucleotide variant.
Coding change: c.1664C>T on transcript NM_022437.3 (MANE Select); coding-DNA position 1664, C replaced by T.
Protein change: p.Thr555Ile; replaces threonine 555 with isoleucine.
Molecular consequence: missense variant.
Genome position (GRCh38, 1-based): chr2:43,875,321, C>T. VCF-style: chr2-43875321-C-T. GRCh37 (hg19) VCF-style: chr2-44102460-C-T.
Other names: c.1661C>T, p.Thr554Ile (NM_001357321.2); short protein forms T555I, T554I.
Identifiers: ClinVar variation 1777549 (VCV001777549.2), dbSNP rs1214585539, ClinGen allele CA346670538.

ClinVar aggregate classification (germline): Uncertain significance (1 of 4 stars; one submission).

Conditions:
Cardiovascular phenotype. Identifiers: MedGen CN230736.

Allele frequency attached by ClinVar (database versions not stated): TOPMed below 0.00001; gnomAD 0.00001.
gnomAD v4.1: 1 of 1,614,066 alleles (0.000062%); highest among the groups gnomAD compares: African/African-American, 0.0013%; no homozygotes.

Submission:

Ambry Genetics
Classification: Uncertain significance for Cardiovascular phenotype. Last evaluated: 2021-11-28. Review status: criteria provided, single submitter. Criteria: Ambry Variant Classification Scheme 2023. Collection method: clinical testing. Allele origin: germline.
Comment: The p.T555I variant (also known as c.1664C>T), located in coding exon 11 of the ABCG8 gene, results from a C to T substitution at nucleotide position 1664. The threonine at codon 555 is replaced by isoleucine, an amino acid with similar properties. This amino acid position is conserved. In addition, the in silico prediction for this alteration is inconclusive. Since supporting evidence is limited at this time, the clinical significance of this alteration remains unclear.